The following is an entry in ClinVar:

NM_018076.5(ODAD2):c.383-1G>T

Gene: ODAD2 (outer dynein arm docking complex subunit 2; minus strand). Cytogenetic location: 10p12.1.
Variant type: single nucleotide variant.
Coding change: c.383-1G>T on transcript NM_018076.5 (MANE Select); the canonical splice acceptor site of the intron before coding-DNA position 383, G replaced by T.
Molecular consequence: splice acceptor variant.
Genome position (GRCh38, 1-based): chr10:27,985,212, C>A on the plus strand (G>T on the coding strand, the complement: ODAD2 is on the minus strand). VCF-style: chr10-27985212-C-A. GRCh37 (hg19) VCF-style: chr10-28274141-C-A.
Other names: c.383-1G>T (NM_001290020.2).
Identifiers: ClinVar variation 4705205 (VCV004705205.2).

ClinVar aggregate classification (germline): Likely pathogenic. Review status: criteria provided, multiple submitters, no conflicts (2 of 4 stars). 2 submissions from 2 submitters: Likely pathogenic (2). Last evaluated 2025-07-23.

Conditions:
Primary ciliary dyskinesia 23 (CILD23). Also called: CILIARY DYSKINESIA, PRIMARY, 23, WITH OR WITHOUT SITUS INVERSUS. Identifiers: Orphanet 244, MedGen C3809548, MONDO:0014193, OMIM 615451.
ARMC4-related disorders.

gnomAD v4.1: 25 of 1,460,030 alleles (0.0017%); highest among the groups gnomAD compares: Non-Finnish European, 0.0021%; no homozygotes.

Submissions (2):

Labcorp Genetics (formerly Invitae), Labcorp
Classification: Likely pathogenic for Primary ciliary dyskinesia 23. Last evaluated: 2025-07-23. Review status: criteria provided, single submitter. Criteria: Invitae Variant Classification Sherloc (09022015). Collection method: clinical testing. Allele origin: germline.
Comment: This sequence change affects an acceptor splice site in intron 3 of the ARMC4 gene. It is expected to disrupt RNA splicing. Variants that disrupt the donor or acceptor splice site typically lead to a loss of protein function (PMID: 16199547), and loss-of-function variants in ARMC4 are known to be pathogenic (PMID: 23849778). The frequency data for this variant in the population databases is considered unreliable, as metrics indicate poor data quality at this position in the gnomAD database. This variant has not been reported in the literature in individuals affected with ARMC4-related conditions. Algorithms developed to predict the effect of sequence changes on RNA splicing suggest that this variant may disrupt the consensus splice site. In summary, the currently available evidence indicates that the variant is pathogenic, but additional data are needed to prove that conclusively. Therefore, this variant has been classified as Likely Pathogenic.

Blueprint Genetics
Classification: Likely pathogenic for ARMC4-related disorders. Last evaluated: 2023-09-11. Review status: criteria provided, single submitter. Criteria: ACMG Guidelines, 2015. Collection method: clinical testing. Allele origin: germline. Affected: yes. Observed: 4 variant alleles.

Literature cited by the submitters: PubMed 16199547 (cited by Labcorp Genetics (formerly Invitae), Labcorp); PubMed 23849778 (cited by Labcorp Genetics (formerly Invitae), Labcorp).